The following is an entry in ClinVar:

NM_145207.3(AFG2A):c.1586G>A (p.Arg529Gln)

Gene: AFG2A (AAA ATPase AFG2A; plus strand). Cytogenetic location: 4q28.1.
Variant type: single nucleotide variant.
Coding change: c.1586G>A on transcript NM_145207.3 (MANE Select); coding-DNA position 1586, G replaced by A.
Protein change: p.Arg529Gln; replaces arginine 529 with glutamine.
Molecular consequence: missense variant.
Genome position (GRCh38, 1-based): chr4:122,947,360, G>A. VCF-style: chr4-122947360-G-A. GRCh37 (hg19) VCF-style: chr4-123868515-G-A.
Other names: c.1583G>A, p.Arg528Gln (NM_001317799.2, NM_001345856.2); short protein forms R529Q, R528Q.
Identifiers: ClinVar variation 203523 (VCV000203523.8), dbSNP rs567175477, ClinGen allele CA312149.

ClinVar aggregate classification (germline): Conflicting classifications of pathogenicity. Review status: criteria provided, conflicting classifications (1 of 4 stars). 4 submissions from 4 submitters: Pathogenic (1); Likely pathogenic (1); Uncertain significance (1). 1 of the submissions does not count toward it. Last evaluated 2025-09-09.

Conditions:
Microcephaly-intellectual disability-sensorineural hearing loss-epilepsy-abnormal muscle tone syndrome (NEDHSB). Also called: NEURODEVELOPMENTAL DISORDER WITH HEARING LOSS, SEIZURES, AND BRAIN ABNORMALITIES. Identifiers: Orphanet 457351, MedGen C4225276, MONDO:0014698, OMIM 616577.

Allele frequency attached by ClinVar (database versions not stated): gnomAD 0.00001; gnomAD exomes 0.00001 and 0.00002; TOPMed 0.00001; ExAC 0.00002; 1000 Genomes Project 30x 0.00016; 1000 Genomes Project 0.00020.
gnomAD v4.1: 16 of 1,614,064 alleles (0.00099%); highest among the groups gnomAD compares: African/African-American, 0.0013%; no homozygotes.

Submissions (4):

Mayo Clinic Laboratories, Mayo Clinic
Classification: Likely pathogenic. Last evaluated: 2025-09-09. Review status: criteria provided, single submitter. Criteria: ACMG Guidelines, 2015. Collection method: clinical testing. Allele origin: germline. Observed: 1 variant allele.
Comment: PP3_strong, PM2_supporting, PM3

Labcorp Genetics (formerly Invitae), Labcorp
Classification: Pathogenic for Microcephaly-intellectual disability-sensorineural hearing loss-epilepsy-abnormal muscle tone syndrome. Last evaluated: 2023-12-27. Review status: criteria provided, single submitter. Criteria: Invitae Variant Classification Sherloc (09022015). Collection method: clinical testing. Allele origin: germline.
Comment: This sequence change replaces arginine, which is basic and polar, with glutamine, which is neutral and polar, at codon 529 of the SPATA5 protein (p.Arg529Gln). This variant is present in population databases (rs567175477, gnomAD 0.007%). This missense change has been observed in individual(s) with SPATA5-related epilepsy (PMID: 26299366). In at least one individual the data is consistent with being in trans (on the opposite chromosome) from a pathogenic variant. It has also been observed to segregate with disease in related individuals. ClinVar contains an entry for this variant (Variation ID: 203523). Advanced modeling of protein sequence and biophysical properties (such as structural, functional, and spatial information, amino acid conservation, physicochemical variation, residue mobility, and thermodynamic stability) performed at Invitae indicates that this missense variant is expected to disrupt SPATA5 protein function with a positive predictive value of 95%. For these reasons, this variant has been classified as Pathogenic.

Blueprint Genetics
Classification: Uncertain significance. Last evaluated: 2022-09-14. Review status: criteria provided, single submitter. Criteria: ACMG Guidelines, 2015. Collection method: clinical testing. Allele origin: germline.

Bioscientia Institut fuer Medizinische Diagnostik GmbH, Sonic Healthcare
Classification: Likely pathogenic for Microcephaly-intellectual disability-sensorineural hearing loss-epilepsy-abnormal muscle tone syndrome. Last evaluated: 2019-06-25. Review status: no assertion criteria provided. Collection method: clinical testing. Allele origin: germline. Affected: yes. Not counted in ClinVar's aggregate classification.

Literature cited by the submitters: PubMed 26299366 (cited by Mayo Clinic Laboratories, Mayo Clinic and Labcorp Genetics (formerly Invitae), Labcorp); PubMed 40712368 (cited by Mayo Clinic Laboratories, Mayo Clinic).